The following is an entry in ClinVar:

ClinVar aggregate classification (germline): Likely benign. Review status: criteria provided, multiple submitters, no conflicts (2 of 4 stars). 2 submissions from 2 submitters: Likely benign (2). Last evaluated 2025-10-08.

Conditions:
Hereditary spastic paraplegia 11. Also called: Spastic Paraplegia 11; Nakamura Osame syndrome; Autosomal recessive hereditary spastic paraplegia, mental impairment, and thin corpus callosum; SPASTIC PARAPLEGIA, AUTOSOMAL RECESSIVE, COMPLICATED, WITH THIN CORPUS CALLOSUM; SPASTIC PARAPLEGIA, AUTOSOMAL RECESSIVE, WITH MENTAL IMPAIRMENT AND THIN CORPUS CALLOSUM; Spastic paraplegia, mental retardation and thin corpus callosum. Identifiers: Orphanet 2822, MedGen C1858479, MONDO:0011445, OMIM 604360.

Submissions (2):

Mayo Clinic Laboratories, Mayo Clinic
Classification: Likely benign. Last evaluated: 2025-10-08. Review status: criteria provided, single submitter. Criteria: ACMG Guidelines, 2015. Collection method: clinical testing. Allele origin: germline. Observed: 1 variant allele.
Comment: BP4, BP7

Labcorp Genetics (formerly Invitae), Labcorp
Classification: Likely benign for Hereditary spastic paraplegia 11. Last evaluated: 2025-06-27. Review status: criteria provided, single submitter. Criteria: Invitae Variant Classification Sherloc (09022015). Collection method: clinical testing. Allele origin: germline.

NM_025137.4(SPG11):c.7068T>C (p.Ile2356=)

Gene: SPG11 (SPG11 vesicle trafficking associated, spatacsin; minus strand). Cytogenetic location: 15q21.1.
Variant type: single nucleotide variant.
Coding change: c.7068T>C on transcript NM_025137.4 (MANE Select); coding-DNA position 7068, T replaced by C.
Protein change: p.Ile2356=; no amino-acid change (isoleucine 2356 retained).
Molecular consequence: synonymous variant.
Genome position (GRCh38, 1-based): chr15:44,564,630, A>G on the plus strand (T>C on the coding strand, the complement: SPG11 is on the minus strand). VCF-style: chr15-44564630-A-G. GRCh37 (hg19) VCF-style: chr15-44856828-A-G.
Other names: p.Ile2356=; c.6729T>C, p.Ile2243= (NM_001160227.2); c.6924T>C, p.Ile2308= (NM_001411132.1).
Identifiers: ClinVar variation 2732568 (VCV002732568.4), dbSNP rs2505162709, ClinGen allele CA490202675.
Genomic context (GRCh38, chr15:44,564,630, plus strand): 5'-ACTGGACTTTAATAACCTTTGCTGCTTAAATTCTTCCAAGTAATTAAAGTCTCCTTTAAG[A>G]ATCACTTGCTGGTATAAAATTTCAGCCCAATCTGGAACAAAATCGTAGGCCTCAGCCACA-3'
Protein context (NP_079413.3, residues 2346-2366): DWAEILYQQV[Ile2356=]LKGDFNYLEE